The following is an entry in ClinVar:

NC_000007.13:g.(?_92760530)_(92765284_?)del

Gene: SAMD9L (sterile alpha motif domain containing 9 like; minus strand). Cytogenetic location: 7q21.2.
Variant type: Deletion.
Identifiers: ClinVar variation 2427402 (VCV002427402.3).

ClinVar aggregate classification (germline): Uncertain significance (1 of 4 stars; one submission).

Submission:

Labcorp Genetics (formerly Invitae), Labcorp
Classification: Uncertain significance. Last evaluated: 2022-02-24. Review status: criteria provided, single submitter. Criteria: Invitae Variant Classification Sherloc (09022015). Collection method: clinical testing. Allele origin: germline.
Comment: A gross deletion of the genomic region encompassing the full coding sequence of the SAMD9L gene has been identified. The current clinical and genetic evidence is not sufficient to establish whether loss-of-function variants in SAMD9L cause disease. The boundaries of this event are unknown as they extend beyond the assayed region for this gene and therefore may encompass additional genes. This variant has not been reported in the literature in individuals affected with SAMD9L-related conditions. In summary, the available evidence is currently insufficient to determine the role of this variant in disease. Therefore, it has been classified as a Variant of Uncertain Significance.